The following is an entry in ClinVar:

ClinVar aggregate classification (germline): Uncertain significance (1 of 4 stars; one submission).

Allele frequency attached by ClinVar (database versions not stated): gnomAD 0.00001; ExAC 0.00002; TOPMed 0.00002; 1000 Genomes Project 30x 0.00016; 1000 Genomes Project 0.00020.
gnomAD v4.1: 12 of 1,614,000 alleles (0.00074%); highest among the groups gnomAD compares: East Asian, 0.0022%; no homozygotes.

Submission:

Labcorp Genetics (formerly Invitae), Labcorp
Classification: Uncertain significance. Last evaluated: 2022-04-25. Review status: criteria provided, single submitter. Criteria: Invitae Variant Classification Sherloc (09022015). Collection method: clinical testing. Allele origin: germline.
Comment: This sequence change replaces arginine, which is basic and polar, with tryptophan, which is neutral and slightly polar, at codon 278 of the WNT10B protein (p.Arg278Trp). This variant is present in population databases (rs200116103, gnomAD 0.004%). This variant has not been reported in the literature in individuals affected with WNT10B-related conditions. Advanced modeling of protein sequence and biophysical properties (such as structural, functional, and spatial information, amino acid conservation, physicochemical variation, residue mobility, and thermodynamic stability) performed at Invitae indicates that this missense variant is not expected to disrupt WNT10B protein function. In summary, the available evidence is currently insufficient to determine the role of this variant in disease. Therefore, it has been classified as a Variant of Uncertain Significance.

NM_003394.4(WNT10B):c.832C>T (p.Arg278Trp)

Gene: WNT10B (Wnt family member 10B; minus strand). Cytogenetic location: 12q13.12.
Variant type: single nucleotide variant.
Coding change: c.832C>T on transcript NM_003394.4 (MANE Select); coding-DNA position 832, C replaced by T.
Protein change: p.Arg278Trp; replaces arginine 278 with tryptophan.
Molecular consequence: missense variant.
Genome position (GRCh38, 1-based): chr12:48,966,433, G>A on the plus strand (C>T on the coding strand, the complement: WNT10B is on the minus strand). VCF-style: chr12-48966433-G-A. GRCh37 (hg19) VCF-style: chr12-49360216-G-A.
Other names: short protein forms R278W.
Identifiers: ClinVar variation 1944072 (VCV001944072.2), dbSNP rs200116103, ClinGen allele CA6544090.